The following is an entry in ClinVar:

NM_177924.5(ASAH1):c.353G>A (p.Gly118Asp)

Gene: ASAH1 (N-acylsphingosine amidohydrolase 1; minus strand). Cytogenetic location: 8p22.
Variant type: single nucleotide variant.
Coding change: c.353G>A on transcript NM_177924.5 (MANE Select); coding-DNA position 353, G replaced by A.
Protein change: p.Gly118Asp; replaces glycine 118 with aspartic acid.
Molecular consequence: missense variant.
Genome position (GRCh38, 1-based): chr8:18,067,249, C>T on the plus strand (G>A on the coding strand, the complement: ASAH1 is on the minus strand). VCF-style: chr8-18067249-C-T. GRCh37 (hg19) VCF-style: chr8-17924758-C-T.
Other names: c.335G>A, p.Gly112Asp (NM_001127505.3); c.158G>A, p.Gly53Asp (NM_001363743.2); c.401G>A, p.Gly134Asp (NM_004315.6); short protein forms G134D, G53D, G112D, G118D.
Identifiers: ClinVar variation 1345610 (VCV001345610.8), dbSNP rs1799968527, ClinGen allele CA370432735.

ClinVar aggregate classification (germline): Uncertain significance (1 of 4 stars; one submission).

gnomAD v4.1: 2 of 1,606,176 alleles (0.00012%); highest among the groups gnomAD compares: South Asian, 0.0022%; no homozygotes.

Submission:

Labcorp Genetics (formerly Invitae), Labcorp
Classification: Uncertain significance. Last evaluated: 2022-06-13. Review status: criteria provided, single submitter. Criteria: Invitae Variant Classification Sherloc (09022015). Collection method: clinical testing. Allele origin: germline.
Comment: In summary, the available evidence is currently insufficient to determine the role of this variant in disease. Therefore, it has been classified as a Variant of Uncertain Significance. Algorithms developed to predict the effect of missense changes on protein structure and function (SIFT, PolyPhen-2, Align-GVGD) all suggest that this variant is likely to be disruptive. This variant has not been reported in the literature in individuals affected with ASAH1-related conditions. This variant is not present in population databases (gnomAD no frequency). This sequence change replaces glycine, which is neutral and non-polar, with aspartic acid, which is acidic and polar, at codon 118 of the ASAH1 protein (p.Gly118Asp).